The following is an entry in ClinVar:

ClinVar aggregate classification (germline): Likely pathogenic (1 of 4 stars; one submission).

Submission:

GeneDx
Classification: Likely pathogenic. Last evaluated: 2016-12-23. Review status: criteria provided, single submitter. Criteria: GeneDx Variant Classification (06012015). Collection method: clinical testing. Allele origin: germline. Affected: yes.
Comment: The c.1223delT likely pathogenic variant in the DES gene has not been published as pathogenic or been reported as benign to our knowledge. The c.1223delT variant causes a shift in reading frame starting at codon leucine 408, changing it to an arginine, and creating a premature stop codon at position 39 of the new reading frame, denoted p.Leu408ArgfsX39. This frameshift replaces the typical last 63 amino acid residues in the DES protein with 38 different amino acid residues. As such, this likely pathogenic variant is expected to result in an abnormal, truncated protein product. Other frameshift variants and one downstream nonsense variant in the DES gene have been reported in the Human Gene Mutation Database in association with cardiomyopathy or desmin-related myopathy (Stenson et al., 2014). Furthermore, the c.1223delT variant is not observed in large population cohorts (Lek et al., 2016; 1000 Genomes Consortium et al., 2015; Exome Variant Server).

NM_001927.4(DES):c.1223del (p.Leu408fs)

Gene: DES (desmin; plus strand). Cytogenetic location: 2q35.
Variant type: Deletion.
Coding change: c.1223del on transcript NM_001927.4 (MANE Select); coding-DNA position 1223, one base deleted (T; older notation c.1223delT).
Protein change: p.Leu408fs; shifts the reading frame from leucine 408.
Molecular consequence: frameshift variant.
Genome position (GRCh38, 1-based): chr2:219,421,539, T deleted. VCF-style (leftmost placement, unchanged base first): chr2-219421538-CT-C. GRCh37 (hg19) VCF-style: chr2-220286260-CT-C.
Other names: c.1223del (LRG_380t1); short protein forms L408fs.
Identifiers: ClinVar variation 280206 (VCV000280206.2), dbSNP rs886041454, ClinGen allele CA10602840.